The following is an entry in ClinVar:

NM_018975.4(TERF2IP):c.772A>T (p.Thr258Ser)

Gene: TERF2IP (TERF2 interacting protein; plus strand). Cytogenetic location: 16q23.1.
Variant type: single nucleotide variant.
Coding change: c.772A>T on transcript NM_018975.4 (MANE Select); coding-DNA position 772, A replaced by T.
Protein change: p.Thr258Ser; replaces threonine 258 with serine.
Molecular consequence: missense variant. On other transcripts: non-coding transcript variant (1).
Genome position (GRCh38, 1-based): chr16:75,654,374, A>T. VCF-style: chr16-75654374-A-T. GRCh37 (hg19) VCF-style: chr16-75688272-A-T.
Other names: short protein forms T258S.
Identifiers: ClinVar variation 1760340 (VCV001760340.2), dbSNP rs2082369241, ClinGen allele CA396819287.
Genomic context (GRCh38, chr16:75,654,374, plus strand): 5'-TATGTGAAGGAAGAAATCCAGGAGAATGAAGAAGCAGTCAAAAAGATGCTTGTGGAAGCC[A>T]CCCGGGAGTTTGAGGAGGTTGTGGTATGTTAACTAGATTTACTCATTATTTTTTTCCCTA-3'
Protein context (NP_061848.2, residues 248-268): EAVKKMLVEA[Thr258Ser]REFEEVVVDE

ClinVar aggregate classification (germline): Uncertain significance (1 of 4 stars; one submission).

Submission:

Ambry Genetics
Classification: Uncertain significance. Last evaluated: 2022-04-12. Review status: criteria provided, single submitter. Criteria: Ambry Variant Classification Scheme 2023. Collection method: clinical testing. Allele origin: germline.
Comment: The p.T258S variant (also known as c.772A>T), located in coding exon 2 of the TERF2IP gene, results from an A to T substitution at nucleotide position 772. The threonine at codon 258 is replaced by serine, an amino acid with similar properties. This amino acid position is conserved. In addition, this alteration is predicted to be tolerated by in silico analysis. Since supporting evidence is limited at this time, the clinical significance of this alteration remains unclear.